The following is an entry in ClinVar:

NM_016011.5(MECR):c.286_287delinsCC (p.Phe96Pro)

Gene: MECR (mitochondrial trans-2-enoyl-CoA reductase; minus strand). Cytogenetic location: 1p35.3.
Variant type: Indel.
Coding change: c.286_287delinsCC on transcript NM_016011.5 (MANE Select); coding-DNA positions 286 to 287, TT replaced by CC.
Protein change: p.Phe96Pro; replaces phenylalanine 96 with proline.
Molecular consequence: missense variant. On other transcripts: non-coding transcript variant (4).
Genome position (GRCh38, 1-based): chr1:29,216,124-29,216,125, AA replaced by GG on the plus strand (TT replaced by CC on the coding strand, the reverse complement: MECR is on the minus strand). VCF-style: chr1-29216124-AA-GG. GRCh37 (hg19) VCF-style: chr1-29542636-AA-GG.
Other names: p.Phe96Pro; c.286_287delinsCC (NM_016011.2); c.58_59delinsCC, p.Phe20Pro (NM_001024732.4, NM_001349711.2, NM_001349712.2 and 2 more transcripts); c.391_392delinsCC, p.Phe131Pro (NM_001349715.2); c.370_371delinsCC, p.Phe124Pro (NM_001349716.2); c.136_137delinsCC, p.Phe46Pro (NM_001349717.2); short protein forms F46P, F96P, F20P, F124P, F131P.
Identifiers: ClinVar variation 1486495 (VCV001486495.6), dbSNP rs2151896481, ClinGen allele CA2573132242.
Genomic context (GRCh38, chr1:29,216,124, plus strand): 5'-CCCACCGCTACCACCTGTGCAACACCTTCGTTCCCTCCAACAGCAGGCAGTTCAGGAAGG[AA>GG]TCCGTAGTTTCCTGAGGGAGAAGAGCATTAAAGGGTCAACCAGTGATGTTTGGGCAGTGA-3'
Protein context (NP_057095.4, residues 86-106): DINMIQGNYG[Phe96Pro]LPELPAVGGN

ClinVar aggregate classification (germline): Uncertain significance. Review status: criteria provided, multiple submitters, no conflicts (2 of 4 stars). 3 submissions from 3 submitters: Uncertain significance (3). Last evaluated 2025-06-04.

Submissions (3):

GeneDx
Classification: Uncertain significance. Last evaluated: 2025-06-04. Review status: criteria provided, single submitter. Criteria: GeneDx Variant Classification Process June 2021. Collection method: clinical testing. Allele origin: germline.
Comment: In silico analysis suggests that this variant does not alter protein structure/function; Has not been previously published as pathogenic or benign to our knowledge

Mayo Clinic Laboratories, Mayo Clinic
Classification: Uncertain significance. Last evaluated: 2024-05-24. Review status: criteria provided, single submitter. Criteria: ACMG Guidelines, 2015. Collection method: clinical testing. Allele origin: germline. Observed: 1 variant allele.
Comment: PM2

Labcorp Genetics (formerly Invitae), Labcorp
Classification: Uncertain significance. Last evaluated: 2022-07-17. Review status: criteria provided, single submitter. Criteria: Invitae Variant Classification Sherloc (09022015). Collection method: clinical testing. Allele origin: germline.
Comment: This sequence change replaces leucine, which is neutral and non-polar, with proline, which is neutral and non-polar, at codon 96 of the MECR protein (p.Leu96Pro). This variant is present in population databases (no rsID available, gnomAD 2.8%). This variant has not been reported in the literature in individuals affected with MECR-related conditions. Experimental studies and prediction algorithms are not available or were not evaluated, and the functional significance of this variant is currently unknown. In summary, the available evidence is currently insufficient to determine the role of this variant in disease. Therefore, it has been classified as a Variant of Uncertain Significance.